The following is an entry in ClinVar:

NM_001204.7(BMPR2):c.137T>C (p.Ile46Thr)

Gene: BMPR2 (bone morphogenetic protein receptor type 2; plus strand). Cytogenetic location: 2q33.1.
Variant type: single nucleotide variant.
Coding change: c.137T>C on transcript NM_001204.7 (MANE Select); coding-DNA position 137, T replaced by C.
Protein change: p.Ile46Thr; replaces isoleucine 46 with threonine.
Molecular consequence: missense variant.
Genome position (GRCh38, 1-based): chr2:202,464,869, T>C. VCF-style: chr2-202464869-T-C. GRCh37 (hg19) VCF-style: chr2-203329592-T-C.
Other names: short protein forms I46T.
Identifiers: ClinVar variation 4824931 (VCV004824931.1).

ClinVar aggregate classification (germline): Uncertain significance (1 of 4 stars; one submission).

Conditions:
Inborn genetic diseases. Identifiers: MedGen C0950123, MeSH D030342.

gnomAD v4.1: 2 of 1,614,088 alleles (0.00012%); highest among the groups gnomAD compares: Non-Finnish European, 0.00017%; no homozygotes.

Submission:

Ambry Genetics
Classification: Uncertain significance for Inborn genetic diseases. Last evaluated: 2026-02-18. Review status: criteria provided, single submitter. Criteria: Ambry Variant Classification Scheme 2023. Collection method: clinical testing. Allele origin: germline.
Comment: The p.I46T variant (also known as c.137T>C), located in coding exon 2 of the BMPR2 gene, results from a T to C substitution at nucleotide position 137. The isoleucine at codon 46 is replaced by threonine, an amino acid with similar properties. This amino acid position is conserved. In addition, the in silico prediction for this alteration is inconclusive. Based on the available evidence, the clinical significance of this variant remains unclear.